The following is an entry in ClinVar:

NM_006343.3(MERTK):c.583+5G>A

Gene: MERTK (MER proto-oncogene, tyrosine kinase; plus strand). Cytogenetic location: 2q13.
Variant type: single nucleotide variant.
Coding change: c.583+5G>A on transcript NM_006343.3 (MANE Select); 5 bases into the intron after coding-DNA position 583, G replaced by A.
Molecular consequence: intron variant.
Genome position (GRCh38, 1-based): chr2:111,945,065, G>A. VCF-style: chr2-111945065-G-A. GRCh37 (hg19) VCF-style: chr2-112702642-G-A.
Identifiers: ClinVar variation 955536 (VCV000955536.7), dbSNP rs773100489, ClinGen allele CA1831092.

ClinVar aggregate classification (germline): Uncertain significance (1 of 4 stars; one submission).

Allele frequency attached by ClinVar (database versions not stated): gnomAD exomes 0.00001 and 0.00004; ExAC 0.00004.
gnomAD v4.1: 11 of 1,607,904 alleles (0.00068%); highest among the groups gnomAD compares: Admixed American, 0.017%; no homozygotes.

Submission:

Labcorp Genetics (formerly Invitae), Labcorp
Classification: Uncertain significance. Last evaluated: 2022-10-05. Review status: criteria provided, single submitter. Criteria: Invitae Variant Classification Sherloc (09022015). Collection method: clinical testing. Allele origin: germline.
Comment: This sequence change falls in intron 3 of the MERTK gene. It does not directly change the encoded amino acid sequence of the MERTK protein. It affects a nucleotide within the consensus splice site. This variant is present in population databases (rs773100489, gnomAD 0.03%). This variant has not been reported in the literature in individuals affected with MERTK-related conditions. ClinVar contains an entry for this variant (Variation ID: 955536). Variants that disrupt the consensus splice site are a relatively common cause of aberrant splicing (PMID: 17576681, 9536098). Algorithms developed to predict the effect of sequence changes on RNA splicing suggest that this variant is not likely to affect RNA splicing. In summary, the available evidence is currently insufficient to determine the role of this variant in disease. Therefore, it has been classified as a Variant of Uncertain Significance.

Literature cited by the submitters: PubMed 17576681; PubMed 9536098.